The following is an entry in ClinVar:

ClinVar aggregate classification (germline): Conflicting classifications of pathogenicity. Review status: criteria provided, conflicting classifications (1 of 4 stars). 5 submissions from 5 submitters: Likely pathogenic (3); Uncertain significance (2). Last evaluated 2025-12-03.

Conditions:
USH2A-related disorder. Also called: USH2A-related disorders; USH2A-related condition. Identifiers: MedGen CN239332.
Retinitis pigmentosa 39 (RP39). Identifiers: Orphanet 791, MedGen C3151138, MONDO:0013436, OMIM 613809.
Usher syndrome type 2A. Also called: RETINAL DISEASE IN USHER SYNDROME TYPE IIA, MODIFIER OF; USHER SYNDROME, TYPE IIA. Identifiers: Orphanet 231178, Orphanet 886, MedGen C1848634, MONDO:0010169, OMIM 276901.

Allele frequency attached by ClinVar (database versions not stated): gnomAD exomes below 0.00001.
gnomAD v4.1: 1 of 1,613,182 alleles (0.000062%); highest among the groups gnomAD compares: Non-Finnish European, 0.000085%; no homozygotes.

Submissions (5):

Labcorp Genetics (formerly Invitae), Labcorp
Classification: Likely pathogenic. Last evaluated: 2025-12-03. Review status: criteria provided, single submitter. Criteria: Invitae Variant Classification Sherloc (09022015). Collection method: clinical testing. Allele origin: germline.
Comment: This sequence change replaces arginine, which is basic and polar, with glycine, which is neutral and non-polar, at codon 283 of the USH2A protein (p.Arg283Gly). This variant is not present in population databases (gnomAD no frequency). This missense change has been observed in individual(s) with clinical features of retinitis pigmentosa and/or clinical features of Usher syndrome (internal data). ClinVar contains an entry for this variant (Variation ID: 1386318). An algorithm developed to predict the effect of missense changes on protein structure and function (PolyPhen-2) suggests that this variant is likely to be disruptive. In summary, the currently available evidence indicates that the variant is pathogenic, but additional data are needed to prove that conclusively. Therefore, this variant has been classified as Likely Pathogenic.

Myriad Genetics, Inc.
Classification: Uncertain significance for USH2A-related disorder. Last evaluated: 2025-09-08. Review status: criteria provided, single submitter. Criteria: Myriad Autosomal Dominant, Autosomal Recessive and X-Linked Classification Criteria (2023). Collection method: clinical testing. Allele origin: unknown.
Comment: NM_206933.2(USH2A):c.847A>G(R283G) is a missense variant classified as a variant of uncertain significance in the context of USH2A-related disorders. R283G has not been observed in cases with relevant disease. Relevant functional assessments of this variant are not available in the literature. R283G has not been observed in referenced population frequency databases. In summary, there is insufficient evidence to classify NM_206933.2(USH2A):c.847A>G(R283G) as pathogenic or benign. Please note: this variant was assessed in the context of healthy population screening.

Women's Health and Genetics/Laboratory Corporation of America, LabCorp
Classification: Uncertain significance. Last evaluated: 2025-07-31. Review status: criteria provided, single submitter. Criteria: LabCorp Variant Classification Summary - May 2015. Collection method: clinical testing. Allele origin: germline.
Comment: Variant summary: USH2A c.847A>G (p.Arg283Gly) results in a non-conservative amino acid change located in the LamG-like jellyroll fold (IPR006558) of the encoded protein sequence. Algorithms developed to predict the effect of missense changes on protein structure and function are either unavailable or do not agree on the potential impact of this missense change. Consensus agreement among computation tools predict no significant impact on normal splicing. However, these predictions have yet to be confirmed by functional studies. The variant was absent in 250902 control chromosomes (gnomAD). c.847A>G has been observed in individual(s) affected with Usher Syndrome (Labcorp (formerly Invitae) internal case(s)). These data indicate that the variant may be associated with disease. To our knowledge, no experimental evidence demonstrating an impact on protein function has been reported. ClinVar contains an entry for this variant (Variation ID: 1386318). Based on the evidence outlined above, the variant was classified as VUS-possibly pathogenic.

GeneDx
Classification: Likely pathogenic. Last evaluated: 2024-11-01. Review status: criteria provided, single submitter. Criteria: GeneDx Variant Classification Process June 2021. Collection method: clinical testing. Allele origin: germline. Affected: yes.
Comment: Not observed at significant frequency in large population cohorts (gnomAD); In silico analysis supports that this missense variant has a deleterious effect on protein structure/function; Has not been previously published as pathogenic or benign to our knowledge

Fulgent Genetics
Classification: Likely pathogenic for Usher syndrome type 2A; Retinitis pigmentosa 39. Last evaluated: 2024-05-16. Review status: criteria provided, single submitter. Criteria: ACMG Guidelines, 2015. Collection method: clinical testing. Allele origin: germline.

NM_206933.4(USH2A):c.847A>G (p.Arg283Gly)

Gene: USH2A (usherin; minus strand). Cytogenetic location: 1q41.
Variant type: single nucleotide variant.
Coding change: c.847A>G on transcript NM_206933.4 (MANE Select); coding-DNA position 847, A replaced by G.
Protein change: p.Arg283Gly; replaces arginine 283 with glycine.
Molecular consequence: missense variant.
Genome position (GRCh38, 1-based): chr1:216,327,592, T>C on the plus strand (A>G on the coding strand, the complement: USH2A is on the minus strand). VCF-style: chr1-216327592-T-C. GRCh37 (hg19) VCF-style: chr1-216500934-T-C.
Other names: c.847A>G, p.Arg283Gly (NM_007123.6); short protein forms R283G.
Identifiers: ClinVar variation 1386318 (VCV001386318.14), dbSNP rs2102658767, ClinGen allele CA344912802.